The following is an entry in ClinVar:

NM_001953.5(TYMP):c.1051G>A (p.Gly351Ser)

Genes: SCO2 (synthesis of cytochrome C oxidase 2; minus strand), TYMP (thymidine phosphorylase; minus strand), LOC130067862 (ATAC-STARR-seq lymphoblastoid silent region 13986; plus strand). Cytogenetic location: 22q13.33.
Variant type: single nucleotide variant.
Coding change: c.1051G>A on transcript NM_001953.5 (MANE Select); coding-DNA position 1051, G replaced by A.
Protein change: p.Gly351Ser; replaces glycine 351 with serine.
Molecular consequence: missense variant. On other transcripts: 5 prime UTR variant (1).
Genome position (GRCh38, 1-based): chr22:50,526,354, C>T on the plus strand (G>A on the coding strand, the complement: TYMP is on the minus strand). VCF-style: chr22-50526354-C-T. GRCh37 (hg19) VCF-style: chr22-50964783-C-T.
Other names: c.1051G>A, p.Gly351Ser (NM_001113755.3, NM_001113756.3, NM_001257988.1 and 1 more transcripts); c.-122G>A (NM_001169109.2); short protein forms G351S.
Identifiers: ClinVar variation 2125222 (VCV002125222.1), dbSNP rs2522512895, ClinGen allele CA412197777.

ClinVar aggregate classification (germline): Uncertain significance (1 of 4 stars; one submission).

Allele frequency attached by ClinVar (database versions not stated): gnomAD exomes below 0.00001.
gnomAD v4.1: 3 of 1,550,906 alleles (0.00019%); highest among the groups gnomAD compares: Non-Finnish European, 0.00026%; no homozygotes.

Submission:

Labcorp Genetics (formerly Invitae), Labcorp
Classification: Uncertain significance. Last evaluated: 2022-04-12. Review status: criteria provided, single submitter. Criteria: Invitae Variant Classification Sherloc (09022015). Collection method: clinical testing. Allele origin: germline.
Comment: This sequence change replaces glycine, which is neutral and non-polar, with serine, which is neutral and polar, at codon 351 of the TYMP protein (p.Gly351Ser). This variant is not present in population databases (gnomAD no frequency). This variant has not been reported in the literature in individuals affected with TYMP-related conditions. Advanced modeling of protein sequence and biophysical properties (such as structural, functional, and spatial information, amino acid conservation, physicochemical variation, residue mobility, and thermodynamic stability) performed at Invitae indicates that this missense variant is expected to disrupt TYMP protein function. In summary, the available evidence is currently insufficient to determine the role of this variant in disease. Therefore, it has been classified as a Variant of Uncertain Significance.